The following is an entry in ClinVar:

ClinVar aggregate classification (germline): Conflicting classifications of pathogenicity. Review status: criteria provided, conflicting classifications (1 of 4 stars). 2 submissions from 2 submitters: Uncertain significance (1); Likely benign (1). Last evaluated 2025-09-29.

Conditions:
Hereditary cancer-predisposing syndrome. Also called: Neoplastic Syndromes, Hereditary; Hereditary Cancer Syndrome; Tumor predisposition; Hereditary neoplastic syndrome. Identifiers: Orphanet 140162, MedGen C0027672, MeSH D009386, MONDO:0015356.
Neuroblastoma, susceptibility to, 3. Also called: ALK-Related Neuroblastic Tumor Susceptibility. Identifiers: Orphanet 635, MedGen C2751681, MONDO:0013083, OMIM 613014.

Submissions (2):

Ambry Genetics
Classification: Likely benign for Hereditary cancer-predisposing syndrome. Last evaluated: 2025-09-29. Review status: criteria provided, single submitter. Criteria: Ambry Variant Classification Scheme 2023. Collection method: clinical testing. Allele origin: germline.

Labcorp Genetics (formerly Invitae), Labcorp
Classification: Uncertain significance for Neuroblastoma, susceptibility to, 3. Last evaluated: 2022-04-13. Review status: criteria provided, single submitter. Criteria: Invitae Variant Classification Sherloc (09022015). Collection method: clinical testing. Allele origin: germline.
Comment: In summary, the available evidence is currently insufficient to determine the role of this variant in disease. Therefore, it has been classified as a Variant of Uncertain Significance. Algorithms developed to predict the effect of missense changes on protein structure and function output the following: SIFT: "Tolerated"; PolyPhen-2: "Benign"; Align-GVGD: "Class C0". The threonine amino acid residue is found in multiple mammalian species, which suggests that this missense change does not adversely affect protein function. This variant has not been reported in the literature in individuals affected with ALK-related conditions. This variant is not present in population databases (gnomAD no frequency). This sequence change replaces alanine, which is neutral and non-polar, with threonine, which is neutral and polar, at codon 161 of the ALK protein (p.Ala161Thr).

NM_004304.5(ALK):c.481G>A (p.Ala161Thr)

Gene: ALK (ALK receptor tyrosine kinase; minus strand). Cytogenetic location: 2p23.1.
Variant type: single nucleotide variant.
Coding change: c.481G>A on transcript NM_004304.5 (MANE Select); coding-DNA position 481, G replaced by A.
Protein change: p.Ala161Thr; replaces alanine 161 with threonine.
Molecular consequence: missense variant.
Genome position (GRCh38, 1-based): chr2:29,920,179, C>T on the plus strand (G>A on the coding strand, the complement: ALK is on the minus strand). VCF-style: chr2-29920179-C-T. GRCh37 (hg19) VCF-style: chr2-30143045-C-T.
Other names: c.481G>A (NM_004304.4); short protein forms A161T.
Identifiers: ClinVar variation 2049574 (VCV002049574.5), dbSNP rs2465865784, ClinGen allele CA346589963.